The following is an entry in ClinVar:

NM_181507.2(HPS5):c.2201G>A (p.Arg734Gln)

Gene: HPS5 (HPS5 biogenesis of lysosomal organelles complex 2 subunit 2; minus strand). Cytogenetic location: 11p15.1.
Variant type: single nucleotide variant.
Coding change: c.2201G>A on transcript NM_181507.2 (MANE Select); coding-DNA position 2201, G replaced by A.
Protein change: p.Arg734Gln; replaces arginine 734 with glutamine.
Molecular consequence: missense variant.
Genome position (GRCh38, 1-based): chr11:18,291,681, C>T on the plus strand (G>A on the coding strand, the complement: HPS5 is on the minus strand). VCF-style: chr11-18291681-C-T. GRCh37 (hg19) VCF-style: chr11-18313228-C-T.
Other names: c.1859G>A, p.Arg620Gln (NM_007216.4, NM_181508.2); short protein forms R734Q, R620Q.
Identifiers: ClinVar variation 1413293 (VCV001413293.6), dbSNP rs774037351, ClinGen allele CA5909900.
Genomic context (GRCh38, chr11:18,291,681, plus strand): 5'-ATCTTAGAATTCAATACATTCAACTCCAAACATAATGTTGTCAATTCAGCCAGGTCGTTC[C>T]GAAGACCACTTGCAATGGCGCATGGAGAACATATTTGAAACAGGTCATCCAAAGACTCCC-3'
Protein context (NP_852608.1, residues 724-744): CSPCAIASGL[Arg734Gln]NDLAELTTLC

ClinVar aggregate classification (germline): Conflicting classifications of pathogenicity. Review status: criteria provided, conflicting classifications (1 of 4 stars). 2 submissions from 2 submitters: Uncertain significance (1); Likely benign (1). Last evaluated 2024-04-23.

Conditions:
Inborn genetic diseases. Identifiers: MedGen C0950123, MeSH D030342.

Allele frequency attached by ClinVar (database versions not stated): TOPMed 0.00001; gnomAD 0.00002 and 0.00003.
gnomAD v4.1: 90 of 1,614,184 alleles (0.0056%); highest among the groups gnomAD compares: Middle Eastern, 0.033%; no homozygotes.

Submissions (2):

Ambry Genetics
Classification: Likely benign for Inborn genetic diseases. Last evaluated: 2024-04-23. Review status: criteria provided, single submitter. Criteria: Ambry Variant Classification Scheme 2023. Collection method: clinical testing. Allele origin: germline.

Labcorp Genetics (formerly Invitae), Labcorp
Classification: Uncertain significance. Last evaluated: 2022-10-25. Review status: criteria provided, single submitter. Criteria: Invitae Variant Classification Sherloc (09022015). Collection method: clinical testing. Allele origin: germline.
Comment: This sequence change replaces arginine, which is basic and polar, with glutamine, which is neutral and polar, at codon 734 of the HPS5 protein (p.Arg734Gln). This variant is present in population databases (rs774037351, gnomAD 0.006%). This variant has not been reported in the literature in individuals affected with HPS5-related conditions. ClinVar contains an entry for this variant (Variation ID: 1413293). Algorithms developed to predict the effect of missense changes on protein structure and function output the following: SIFT: "Tolerated"; PolyPhen-2: "Benign"; Align-GVGD: "Class C0". The glutamine amino acid residue is found in multiple mammalian species, which suggests that this missense change does not adversely affect protein function. In summary, the available evidence is currently insufficient to determine the role of this variant in disease. Therefore, it has been classified as a Variant of Uncertain Significance.